The following is an entry in ClinVar:

ClinVar aggregate classification (germline): Likely benign. Review status: criteria provided, single submitter (1 of 4 stars). 2 submissions from 2 submitters: Likely benign (1). 1 of the submissions does not count toward it. Last evaluated 2026-01-05.

Conditions:
MHC class I deficiency. Identifiers: Orphanet 34592, MedGen C6024714, MONDO:0011476.
TAP2-related disorder. Also called: TAP2-related condition.

Allele frequency attached by ClinVar (database versions not stated): gnomAD 0.00009; 1000 Genomes Project 30x 0.00031; TOPMed 0.00011; 1000 Genomes Project 0.00020.
gnomAD v4.1: 74 of 1,595,080 alleles (0.0046%); highest among the groups gnomAD compares: East Asian, 0.14%; no homozygotes.

Submissions (2):

Labcorp Genetics (formerly Invitae), Labcorp
Classification: Likely benign for MHC class I deficiency 1. Last evaluated: 2026-01-05. Review status: criteria provided, single submitter. Criteria: Invitae Variant Classification Sherloc (09022015). Collection method: clinical testing. Allele origin: germline.

PreventionGenetics, part of Exact Sciences
Classification: Likely benign for TAP2-related condition. Last evaluated: 2023-06-22. Review status: no assertion criteria provided. Collection method: clinical testing. Allele origin: germline. Not counted in ClinVar's aggregate classification.
Comment: This variant is classified as likely benign based on ACMG/AMP sequence variant interpretation guidelines (Richards et al. 2015 PMID: 25741868, with internal and published modifications).

NM_001290043.2(TAP2):c.1932C>T (p.Ala644=)

Gene: TAP2 (transporter 2, ATP binding cassette subfamily B member; minus strand). Cytogenetic location: 6p21.32.
Variant type: single nucleotide variant.
Coding change: c.1932C>T on transcript NM_001290043.2 (MANE Select); coding-DNA position 1932, C replaced by T.
Protein change: p.Ala644=; no amino-acid change (alanine 644 retained).
Molecular consequence: synonymous variant.
Genome position (GRCh38, 1-based): chr6:32,829,400, G>A on the plus strand (C>T on the coding strand, the complement: TAP2 is on the minus strand). VCF-style: chr6-32829400-G-A. GRCh37 (hg19) VCF-style: chr6-32797177-G-A.
Other names: c.1932C>T, p.Ala644= (NM_000544.3, NM_018833.3).
Identifiers: ClinVar variation 744370 (VCV000744370.13), dbSNP rs200318579, ClinGen allele CA3745761.